The following is an entry in ClinVar:

NM_138694.4(PKHD1):c.4639C>T (p.Pro1547Ser)

Genes: PKHD1 (PKHD1 ciliary IPT domain containing fibrocystin/polyductin; minus strand), LOC126859690 (MED14-independent group 3 enhancer GRCh37_chr6:51888848-51890047; plus strand). Cytogenetic location: 6p12.2.
Variant type: single nucleotide variant.
Coding change: c.4639C>T on transcript NM_138694.4 (MANE Select); coding-DNA position 4639, C replaced by T.
Protein change: p.Pro1547Ser; replaces proline 1547 with serine.
Molecular consequence: missense variant.
Genome position (GRCh38, 1-based): chr6:52,025,171, G>A on the plus strand (C>T on the coding strand, the complement: PKHD1 is on the minus strand). VCF-style: chr6-52025171-G-A. GRCh37 (hg19) VCF-style: chr6-51889969-G-A.
Other names: c.4639C>T, p.Pro1547Ser (NM_170724.3); short protein forms P1547S.
Identifiers: ClinVar variation 2415683 (VCV002415683.8), dbSNP rs148428486, ClinGen allele CA3852692.
Genomic context (GRCh38, chr6:52,025,171, plus strand): 5'-TGGAAACATTACCAGAACAAGCATACCCATTTCTTGTATAAAAAACTGACAGGTAGTGGG[G>A]TCCTGGGGCCAAGTCTCTTGTCTGGCACACAACGTGGCTTGCATTAAAAAAAGTTACATT-3'
Protein context (NP_619639.3, residues 1537-1557): VCQTRDLAPG[Pro1547Ser]HYLSVFYTRN

ClinVar aggregate classification (germline): Uncertain significance (1 of 4 stars; one submission).

Conditions:
Autosomal recessive polycystic kidney disease (ARPKD). Also called: AR polycystic kidney disease. Identifiers: Orphanet 731, Orphanet 8378, MedGen C0085548, MeSH D017044, MONDO:0009889.

gnomAD v4.1: 4 of 1,614,114 alleles (0.00025%); highest among the groups gnomAD compares: Non-Finnish European, 0.00034%; no homozygotes.

Submission:

Labcorp Genetics (formerly Invitae), Labcorp
Classification: Uncertain significance for Autosomal recessive polycystic kidney disease. Last evaluated: 2021-12-19. Review status: criteria provided, single submitter. Criteria: Invitae Variant Classification Sherloc (09022015). Collection method: clinical testing. Allele origin: germline.
Comment: This sequence change replaces proline, which is neutral and non-polar, with serine, which is neutral and polar, at codon 1547 of the PKHD1 protein (p.Pro1547Ser). This variant is present in population databases (rs148428486, gnomAD 0.002%). In summary, the available evidence is currently insufficient to determine the role of this variant in disease. Therefore, it has been classified as a Variant of Uncertain Significance. Advanced modeling of protein sequence and biophysical properties (such as structural, functional, and spatial information, amino acid conservation, physicochemical variation, residue mobility, and thermodynamic stability) performed at Invitae indicates that this missense variant is not expected to disrupt PKHD1 protein function. This variant has not been reported in the literature in individuals affected with PKHD1-related conditions.